The following is an entry in ClinVar:

ClinVar aggregate classification (germline): Conflicting classifications of pathogenicity. Review status: criteria provided, conflicting classifications (1 of 4 stars). 4 submissions from 4 submitters: Uncertain significance (2); Likely benign (1). 1 of the submissions does not count toward it. Last evaluated 2024-08-03.

Conditions:
Hereditary cancer-predisposing syndrome. Also called: Hereditary neoplastic syndrome; Neoplastic Syndromes, Hereditary; Tumor predisposition; Hereditary Cancer Syndrome. Identifiers: Orphanet 140162, MedGen C0027672, MeSH D009386, MONDO:0015356.
Ataxia-telangiectasia syndrome (AT). Also called: LOUIS-BAR SYNDROME; Cerebello-oculocutaneous telangiectasia; Immunodeficiency with ataxia telangiectasia; AT, COMPLEMENTATION GROUP C; Ataxia-telangiectasia, complementation group D; ATAXIA-TELANGIECTASIA, COMPLEMENTATION GROUP A. Identifiers: Orphanet 100, MedGen C0004135, MONDO:0008840, OMIM 208900.

Allele frequency attached by ClinVar (database versions not stated): gnomAD exomes 0.00001.
gnomAD v4.1: 9 of 1,614,210 alleles (0.00056%); highest among the groups gnomAD compares: Non-Finnish European, 0.00076%; no homozygotes.

Submissions (4):

Labcorp Genetics (formerly Invitae), Labcorp
Classification: Uncertain significance for Ataxia-telangiectasia syndrome. Last evaluated: 2024-08-03. Review status: criteria provided, single submitter. Criteria: Invitae Variant Classification Sherloc (09022015). Collection method: clinical testing. Allele origin: germline.
Comment: This sequence change replaces leucine, which is neutral and non-polar, with phenylalanine, which is neutral and non-polar, at codon 481 of the ATM protein (p.Leu481Phe). This variant is not present in population databases (gnomAD no frequency). This variant has not been reported in the literature in individuals affected with ATM-related conditions. ClinVar contains an entry for this variant (Variation ID: 481333). An algorithm developed to predict the effect of missense changes on protein structure and function (PolyPhen-2) suggests that this variant is likely to be tolerated. In summary, the available evidence is currently insufficient to determine the role of this variant in disease. Therefore, it has been classified as a Variant of Uncertain Significance.

Ambry Genetics
Classification: Likely benign for Hereditary cancer-predisposing syndrome. Last evaluated: 2024-05-30. Review status: criteria provided, single submitter. Criteria: Ambry Variant Classification Scheme 2023. Collection method: clinical testing. Allele origin: germline.

Color Diagnostics, LLC DBA Color Health
Classification: Uncertain significance for Hereditary cancer-predisposing syndrome. Last evaluated: 2024-05-23. Review status: criteria provided, single submitter. Criteria: ACMG Guidelines, 2015. Collection method: clinical testing. Allele origin: germline.
Comment: This missense variant replaces leucine with phenylalanine at codon 481 of the ATM protein. Computational prediction suggests that this variant may not impact protein structure and function. To our knowledge, functional studies have not been reported for this variant. This variant has not been reported in individuals affected with ATM-related disorders in the literature. This variant has not been identified in the general population by the Genome Aggregation Database (gnomAD). The available evidence is insufficient to determine the role of this variant in disease conclusively. Therefore, this variant is classified as a Variant of Uncertain Significance.

Natera, Inc.
Classification: Uncertain significance for Ataxia-telangiectasia. Last evaluated: 2021-05-09. Review status: no assertion criteria provided. Collection method: clinical testing. Allele origin: germline. Not counted in ClinVar's aggregate classification.

NM_000051.4(ATM):c.1443A>C (p.Leu481Phe)

Gene: ATM (ATM serine/threonine kinase; plus strand). Cytogenetic location: 11q22.3.
Variant type: single nucleotide variant.
Coding change: c.1443A>C on transcript NM_000051.4 (MANE Select); coding-DNA position 1443, A replaced by C.
Protein change: p.Leu481Phe; replaces leucine 481 with phenylalanine.
Molecular consequence: missense variant.
Genome position (GRCh38, 1-based): chr11:108,250,908, A>C. VCF-style: chr11-108250908-A-C. GRCh37 (hg19) VCF-style: chr11-108121635-A-C.
Other names: c.1443A>C, p.Leu481Phe (NM_001351834.2); short protein forms L481F.
Identifiers: ClinVar variation 481333 (VCV000481333.25), dbSNP rs753808755, ClinGen allele CA228391034.